The following is an entry in ClinVar:

NM_005529.7(HSPG2):c.4493C>T (p.Ser1498Phe)

Gene: HSPG2 (heparan sulfate proteoglycan 2; minus strand). Cytogenetic location: 1p36.12.
Variant type: single nucleotide variant.
Coding change: c.4493C>T on transcript NM_005529.7 (MANE Select); coding-DNA position 4493, C replaced by T.
Protein change: p.Ser1498Phe; replaces serine 1498 with phenylalanine.
Molecular consequence: missense variant.
Genome position (GRCh38, 1-based): chr1:21,864,976, G>A on the plus strand (C>T on the coding strand, the complement: HSPG2 is on the minus strand). VCF-style: chr1-21864976-G-A. GRCh37 (hg19) VCF-style: chr1-22191469-G-A.
Other names: c.4496C>T, p.Ser1499Phe (NM_001291860.2); c.4493C>T (NM_005529.6); short protein forms S1499F, S1498F.
Identifiers: ClinVar variation 1366835 (VCV001366835.8), dbSNP rs367579432, ClinGen allele CA672258.

ClinVar aggregate classification (germline): Uncertain significance. Review status: criteria provided, multiple submitters, no conflicts (2 of 4 stars). 4 submissions from 4 submitters: Uncertain significance (4). Last evaluated 2024-11-16.

Allele frequency attached by ClinVar (database versions not stated): gnomAD 0.00005 and 0.00004; ESP Exome Variant Server 0.00008; gnomAD exomes 0.00003 and 0.00004; TOPMed 0.00006; ExAC 0.00006.
gnomAD v4.1: 47 of 1,592,752 alleles (0.003%); highest among the groups gnomAD compares: Admixed American, 0.01%; no homozygotes.

Submissions (4):

Dasa
Classification: Uncertain significance. Last evaluated: 2024-11-16. Review status: criteria provided, single submitter. Criteria: DASA Assertion Criteria. Collection method: clinical testing. Allele origin: germline.
Comment: NM_005529.7(HSPG2):c.4493C>T (p.Ser1498Phe) is a missense variant that results in the substitution of serine with phenylalanine. This variant is rare in population databases. The currently available literature and clinical evidence are not sufficient to establish a definitive association between this variant and the reported condition. Therefore, this variant is classified as a variant of uncertain significance.

Athena Diagnostics
Classification: Uncertain significance. Last evaluated: 2023-12-22. Review status: criteria provided, single submitter. Criteria: Athena Diagnostics Criteria. Collection method: clinical testing. Allele origin: unknown.
Comment: Available data are insufficient to determine the clinical significance of the variant at this time. The frequency of this variant in the general population is uninformative in assessment of its pathogenicity. Computational tools disagree on the variant's effect on normal protein function.

Labcorp Genetics (formerly Invitae), Labcorp
Classification: Uncertain significance. Last evaluated: 2022-10-13. Review status: criteria provided, single submitter. Criteria: Invitae Variant Classification Sherloc (09022015). Collection method: clinical testing. Allele origin: germline.
Comment: This sequence change replaces serine, which is neutral and polar, with phenylalanine, which is neutral and non-polar, at codon 1498 of the HSPG2 protein (p.Ser1498Phe). This variant is present in population databases (rs367579432, gnomAD 0.008%). This variant has not been reported in the literature in individuals affected with HSPG2-related conditions. ClinVar contains an entry for this variant (Variation ID: 1366835). Algorithms developed to predict the effect of missense changes on protein structure and function are either unavailable or do not agree on the potential impact of this missense change (SIFT: "Deleterious"; PolyPhen-2: "Probably Damaging"; Align-GVGD: "Class C0"). In summary, the available evidence is currently insufficient to determine the role of this variant in disease. Therefore, it has been classified as a Variant of Uncertain Significance.

Revvity Omics, Revvity
Classification: Uncertain significance. Last evaluated: 2019-08-14. Review status: criteria provided, single submitter. Criteria: ACMG Guidelines, 2015. Collection method: clinical testing. Allele origin: germline.